The following is an entry in ClinVar:

ClinVar aggregate classification (germline): Uncertain significance. Review status: criteria provided, multiple submitters, no conflicts (2 of 4 stars). 6 submissions from 6 submitters: Uncertain significance (6). Last evaluated 2026-08-11.

Conditions:
COX15-related disorder. Also called: COX15-related condition.
Leigh syndrome (NULS). Also called: Leigh Syndrome (mtDNA deletion); Leigh's syndrome; LEIGH SYNDROME, NUCLEAR; Leigh Disease; Subacute necrotizing encephalopathy; Necrotizing encephalopathy infantile subacute of Leigh. Identifiers: Orphanet 506, MedGen C2931891, MONDO:0009723, OMIM 256000.

Allele frequency attached by ClinVar (database versions not stated): gnomAD 0.00004; gnomAD exomes 0.00006 and 0.00016; TOPMed 0.00006; ExAC 0.00009; ESP Exome Variant Server 0.00038.
gnomAD v4.1: 236 of 1,613,306 alleles (0.015%); highest among the groups gnomAD compares: Non-Finnish European, 0.019%; 1 homozygote.

Submissions (6):

PreventionGenetics, part of Exact Sciences
Classification: Uncertain significance for COX15-related condition. Last evaluated: 2026-08-11. Review status: criteria provided, single submitter. Criteria: ACMG Guidelines, 2015. Collection method: clinical testing. Allele origin: germline.
Comment: The COX15 c.1116C>G variant is predicted to result in the amino acid substitution p.Phe372Leu. To our knowledge, this variant has not been reported in the literature. This variant is reported in 0.012% of alleles in individuals of European (Non-Finnish) descent in gnomAD. At this time, the clinical significance of this variant is uncertain due to the absence of conclusive functional and genetic evidence.

Blueprint Genetics
Classification: Uncertain significance. Last evaluated: 2024-02-23. Review status: criteria provided, single submitter. Criteria: ACMG Guidelines, 2015. Collection method: clinical testing. Allele origin: germline.

Mayo Clinic Laboratories, Mayo Clinic
Classification: Uncertain significance. Last evaluated: 2023-06-08. Review status: criteria provided, single submitter. Criteria: ACMG Guidelines, 2015. Collection method: clinical testing. Allele origin: germline. Observed: 1 variant allele.
Comment: BP4, PM2

GeneDx
Classification: Uncertain significance. Last evaluated: 2022-07-18. Review status: criteria provided, single submitter. Criteria: GeneDx Variant Classification Process June 2021. Collection method: clinical testing. Allele origin: germline. Affected: yes.
Comment: Not observed at significant frequency in large population cohorts (gnomAD); In silico analysis supports that this missense variant does not alter protein structure/function; Has not been previously published as pathogenic or benign to our knowledge

Labcorp Genetics (formerly Invitae), Labcorp
Classification: Uncertain significance. Last evaluated: 2022-07-05. Review status: criteria provided, single submitter. Criteria: Invitae Variant Classification Sherloc (09022015). Collection method: clinical testing. Allele origin: germline.
Comment: This sequence change replaces phenylalanine, which is neutral and non-polar, with leucine, which is neutral and non-polar, at codon 372 of the COX15 protein (p.Phe372Leu). This variant is present in population databases (rs142892403, gnomAD 0.01%). This variant has not been reported in the literature in individuals affected with COX15-related conditions. ClinVar contains an entry for this variant (Variation ID: 298412). Algorithms developed to predict the effect of missense changes on protein structure and function are either unavailable or do not agree on the potential impact of this missense change (SIFT: "Not Available"; PolyPhen-2: "Benign"; Align-GVGD: "Not Available"). In summary, the available evidence is currently insufficient to determine the role of this variant in disease. Therefore, it has been classified as a Variant of Uncertain Significance.

Illumina Laboratory Services, Illumina
Classification: Uncertain significance for Leigh syndrome. Last evaluated: 2018-01-13. Review status: criteria provided, single submitter. Criteria: ICSL Variant Classification Criteria 13 December 2019. Collection method: clinical testing. Allele origin: germline.

NM_078470.6(COX15):c.*1122C>G

Gene: COX15 (cytochrome c oxidase assembly factor COX15; minus strand). Cytogenetic location: 10q24.2.
Variant type: single nucleotide variant.
Coding change: c.*1122C>G on transcript NM_078470.6 (MANE Select); 1122 bases downstream of the stop codon, C replaced by G.
Molecular consequence: 3 prime UTR variant. On other transcripts: missense variant (1), non-coding transcript variant (1), intron variant (1).
Genome position (GRCh38, 1-based): chr10:99,713,465, G>C on the plus strand (C>G on the coding strand, the complement: COX15 is on the minus strand). VCF-style: chr10-99713465-G-C. GRCh37 (hg19) VCF-style: chr10-101473222-G-C.
Other names: p.Phe372Leu; c.1116C>G (NM_004376.6); c.*1303C>G (NM_001320975.2); c.*1122C>G (NM_001320976.2, NM_001372025.1, NM_001372026.1); c.*341C>G (NM_001372024.1); c.*1226C>G (NM_001372027.1); c.*549C>G (NM_001372028.1); c.1116C>G, p.Phe372Leu (NM_004376.7); and 1 more; short protein forms F372L.
Identifiers: ClinVar variation 298412 (VCV000298412.9), dbSNP rs142892403, ClinGen allele CA5642037.